The following is an entry in ClinVar:

ClinVar aggregate classification (germline): Pathogenic/Likely pathogenic. Review status: criteria provided, multiple submitters, no conflicts (2 of 4 stars). 3 submissions from 3 submitters: Pathogenic (1); Likely pathogenic (1). 1 of the submissions does not count toward it. Last evaluated 2025-10-09.

Conditions:
Hypohidrotic X-linked ectodermal dysplasia (XHED). Also called: Ectodermal Dysplasia 1, Anhidrotic; Christ-Siemans-Touraine syndrome; ECTODERMAL DYSPLASIA, HYPOHIDROTIC, 1; CST SYNDROME; ECTODERMAL DYSPLASIA 1; Anhidrotic ectodermal dysplasia X-linked. Identifiers: Orphanet 181, Orphanet 238468, MedGen C0162359, MONDO:0010585, OMIM 305100.
Tooth agenesis, selective, X-linked, 1 (STHAGX1). Also called: HYPODONTIA/OLIGODONTIA, X-LINKED, 1. Identifiers: Orphanet 99798, MedGen C1970757, MONDO:0010741, OMIM 313500. Disease mechanism: loss of function.

Allele frequency attached by ClinVar (database versions not stated): TOPMed below 0.00001.

Submissions (3):

Labcorp Genetics (formerly Invitae), Labcorp
Classification: Pathogenic for Hypohidrotic X-linked ectodermal dysplasia. Last evaluated: 2025-10-09. Review status: criteria provided, single submitter. Criteria: Invitae Variant Classification Sherloc (09022015). Collection method: clinical testing. Allele origin: germline.
Comment: This sequence change replaces tyrosine, which is neutral and polar, with histidine, which is basic and polar, at codon 61 of the EDA protein (p.Tyr61His). This variant is not present in population databases (gnomAD no frequency). This missense change has been observed in individual(s) with clinical features of ectodermal dysplasia (PMID: 8696334; internal data). It has also been observed to segregate with disease in related individuals. This variant is also known as 423T>C. ClinVar contains an entry for this variant (Variation ID: 11031). Invitae Evidence Modeling of protein sequence and biophysical properties (such as structural, functional, and spatial information, amino acid conservation, physicochemical variation, residue mobility, and thermodynamic stability) indicates that this missense variant is not expected to disrupt EDA protein function with a negative predictive value of 80%. For these reasons, this variant has been classified as Pathogenic.

Fulgent Genetics
Classification: Likely pathogenic for Hypohidrotic X-linked ectodermal dysplasia; Tooth agenesis, selective, X-linked, 1. Last evaluated: 2018-10-31. Review status: criteria provided, single submitter. Criteria: ACMG Guidelines, 2015. Collection method: clinical testing. Allele origin: unknown.

OMIM
Classification: Pathogenic for ECTODERMAL DYSPLASIA 1, HYPOHIDROTIC/HAIR/TOOTH TYPE, X-LINKED. Last evaluated: 1996-08-01. Review status: no assertion criteria provided. Collection method: literature only. Allele origin: germline. Not counted in ClinVar's aggregate classification.

Literature cited by the submitters: PubMed 8696334 (cited by Labcorp Genetics (formerly Invitae), Labcorp and OMIM).

NM_001399.5(EDA):c.181T>C (p.Tyr61His)

Gene: EDA (ectodysplasin A; plus strand). Cytogenetic location: Xq13.1.
Variant type: single nucleotide variant.
Coding change: c.181T>C on transcript NM_001399.5 (MANE Select); coding-DNA position 181, T replaced by C.
Protein change: p.Tyr61His; replaces tyrosine 61 with histidine.
Molecular consequence: missense variant.
Genome position (GRCh38, 1-based): chrX:69,616,489, T>C. VCF-style: chrX-69616489-T-C. GRCh37 (hg19) VCF-style: chrX-68836333-T-C.
Other names: c.181T>C, p.Tyr61His (NM_001005609.2, NM_001005610.4, NM_001005612.3 and 1 more transcripts); short protein forms Y61H.
Identifiers: ClinVar variation 11031 (VCV000011031.7), dbSNP rs132630308, ClinGen allele CA255649.